The following is an entry in ClinVar:

ClinVar aggregate classification (germline): Pathogenic/Likely pathogenic. Review status: criteria provided, multiple submitters, no conflicts (2 of 4 stars). 5 submissions from 5 submitters: Pathogenic (1); Likely pathogenic (3). 1 of the submissions does not count toward it. Last evaluated 2026-10-06.

Conditions:
TSHR-related disorder. Also called: TSHR-related disorders; TSHR-related condition.
Hypothyroidism due to TSH receptor mutations. Also called: HYPOTHYROIDISM DUE TO UNRESPONSIVENESS TO THYROTROPIN; HYPOTHYROIDISM, CONGENITAL, DUE TO TSH RESISTANCE; HYPOTHYROIDISM, NONAUTOIMMUNE; THYROID-STIMULATING HORMONE, RESISTANCE TO; TSH RESISTANCE; Hypothyroidism, congenital, nongoitrous, 1. Identifiers: Orphanet 90673, MedGen C3493776, MONDO:0010142, OMIM 275200.
Familial hyperthyroidism due to mutations in TSH receptor. Also called: TOXIC THYROID HYPERPLASIA, AUTOSOMAL DOMINANT; HYPERTHYROIDISM, CONGENITAL NONAUTOIMMUNE; HYPERTHYROIDISM, NONAUTOIMMUNE, AUTOSOMAL DOMINANT. Identifiers: Orphanet 424, MedGen C1836706, MONDO:0012203, OMIM 609152.
Familial gestational hyperthyroidism. Identifiers: Orphanet 99819, MedGen C1863959, MONDO:0011309, OMIM 603373.
Congenital hypothyroidism. Identifiers: Orphanet 442, MedGen C0010308, MONDO:0018612, HP:0000851.

Allele frequency attached by ClinVar (database versions not stated): TOPMed 0.00002; gnomAD exomes 0.00002; gnomAD 0.00001; ExAC 0.00002.
gnomAD v4.1: 114 of 1,614,030 alleles (0.0071%); highest among the groups gnomAD compares: Non-Finnish European, 0.0093%; no homozygotes.

Submissions (5):

GeneDx
Classification: Likely pathogenic. Last evaluated: 2026-10-06. Review status: criteria provided, single submitter. Criteria: GeneDx Variant Classification Process June 2021. Collection method: clinical testing. Allele origin: germline.
Comment: Published functional studies demonstrate a damaging effect with reduced TSH binding capacity and reduced TSHR response to ligand TSH (PMID: 9329388, 38194289, 8954020); Identified with a second TSHR variant on the opposite allele (in trans) in unrelated patients with congenital hypothyroidism or resistance to TSH (RTSH) in published literature (PMID: 9329388, 8954020); In silico analysis supports that this missense variant has a deleterious effect on protein structure/function; This variant is associated with the following publications: (PMID: 26556299, 11577986, 15466939, 25153578, 12629076, 21036242, 25905363, 23154162, 11508826, 8954020, 34308104, 38194289, 9329388, 34200080, 38523675, 37641720)

Blueprint Genetics
Classification: Likely pathogenic for TSHR-related disorders. Last evaluated: 2024-09-23. Review status: criteria provided, single submitter. Criteria: ACMG Guidelines, 2015. Collection method: clinical testing. Allele origin: germline. Affected: yes. Observed: 5 variant alleles.

Fulgent Genetics
Classification: Likely pathogenic for Hypothyroidism due to TSH receptor mutations; Familial gestational hyperthyroidism; Familial hyperthyroidism due to mutations in TSH receptor. Last evaluated: 2024-05-22. Review status: criteria provided, single submitter. Criteria: ACMG Guidelines, 2015. Collection method: clinical testing. Allele origin: germline.

Cambridge Genomics Laboratory, East Genomic Laboratory Hub, NHS Genomic Medicine Service
Classification: Pathogenic for Congenital hypothyroidism. Last evaluated: 2024-02-29. Review status: criteria provided, single submitter. Criteria: ACGS Best Practice Guidelines for Variant Classification in Rare Disease 2020. Collection method: clinical testing. Allele origin: germline. Affected: yes.
Comment: The p.Cys390Trp variant is observed in 4/113.754 (0.0035%) alleles from individuals of gnomAD Non Finnish European background in gnomAD All. The p.Cys390Trp variant is novel (not in any individuals) in 1kG All. The p.Cys390Trp variant is observed in 2/68.020 (0.0029%) alleles from individuals of gnomAD Genomes v3 Non Finnish European background in gnomAD Genomes v3 All. (PM2 - Moderate) | The p.Cys390Trp missense variant is predicted to be damaging by both SIFT and PolyPhen2. (PP3 - Supporting) | Functional studies demonstrate that this variant has a damaging effect on the gene or gene product (PS3_Moderate - Moderate) | The variant is observed in trans (in a compound heterozygous state) with another pathogenic variant. (PM3_Strong - Strong) | The patient's phenotype or family history is highly specific for a disease with a single genetic etiology. (PP4 - Supporting)

OMIM
Classification: Pathogenic for HYPOTHYROIDISM, CONGENITAL, NONGOITROUS, 1. Last evaluated: 1997-10-01. Review status: no assertion criteria provided. Collection method: literature only. Allele origin: germline. Not counted in ClinVar's aggregate classification.

Literature cited by the submitters: PubMed 8964822 (cited by OMIM); PubMed 9329388 (cited by OMIM).

NM_000369.5(TSHR):c.1170T>G (p.Cys390Trp)

Genes: TSHR (thyroid stimulating hormone receptor; plus strand), TSHR-AS1 (TSHR antisense RNA 1; minus strand). Cytogenetic location: 14q31.1.
Variant type: single nucleotide variant.
Coding change: c.1170T>G on transcript NM_000369.5 (MANE Select); coding-DNA position 1170, T replaced by G.
Protein change: p.Cys390Trp; replaces cysteine 390 with tryptophan.
Molecular consequence: missense variant.
Genome position (GRCh38, 1-based): chr14:81,143,228, T>G. VCF-style: chr14-81143228-T-G. GRCh37 (hg19) VCF-style: chr14-81609572-T-G.
Other names: c.1170T>G (NM_000369.2); short protein forms C390W.
Identifiers: ClinVar variation 6444 (VCV000006444.7), dbSNP rs121908871, ClinGen allele CA118233.
Genomic context (GRCh38, chr14:81,143,228, plus strand): 5'-CAAAAACCCCCAGGAAGAGACTCTACAAGCTTTTGACAGCCATTATGACTACACCATATG[T>G]GGGGACAGTGAAGACATGGTGTGTACCCCCAAGTCCGATGAGTTCAACCCGTGTGAAGAC-3'
Protein context (NP_000360.2, residues 380-400): AFDSHYDYTI[Cys390Trp]GDSEDMVCTP